The following is an entry in ClinVar:

ClinVar aggregate classification (germline): Pathogenic/Likely pathogenic. Review status: criteria provided, multiple submitters, no conflicts (2 of 4 stars). 4 submissions from 4 submitters: Pathogenic (2); Likely pathogenic (2). Last evaluated 2025-08-29.

Conditions:
Hypophosphatasia. Also called: Phosphoethanol-aminuria. Identifiers: Orphanet 436, MedGen C0020630, MeSH D007014, MONDO:0018570.

gnomAD v4.1: 1 of 1,614,054 alleles (0.000062%); highest among the groups gnomAD compares: East Asian, 0.0022%; no homozygotes.

Submissions (4):

Genomenon, Inc
Classification: Pathogenic for Hypophosphatasia. Last evaluated: 2025-08-29. Review status: criteria provided, single submitter. Criteria: Genomenon Sequence Variant Interpretation Standards. Collection method: curation. Allele origin: germline. Affected: yes.
Comment: ALPL c.653T>C is a missense variant that changes the amino acid at residue 218 from Isoleucine to Threonine. This variant has been observed in at least one proband affected with hypophosphatasia (PMID:18523927). It has been observed in trans with a pathogenic variant (PMID:18523927). At least one functional study has demonstrated a substantial alteration in protein function relative to the wild-type (PMID:17719863;18523927). It is absent or not present at a significant frequency in gnomAD. In silico models agree that this variant is possibly or probably damaging. In conclusion, we classify ALPL p.Ile218Thr (c.653T>C) as a pathogenic variant.

Natera, Inc.
Classification: Likely pathogenic for Hypophosphatasia. Last evaluated: 2025-07-28. Review status: criteria provided, single submitter. Criteria: Natera Variant Classification Schema (03/2026). Collection method: clinical testing. Allele origin: germline.
Comment: The c.653T>C variant in ALPL is a missense variant predicted to cause substitution of isoleucine to threonine at amino acid 218. This variant is rare in the general population with a frequency below the threshold expected for the associated phenotype(s). This variant has been observed in one or more individuals affected with the associated recessive disease, as either homozygous or compound heterozygous with a second variant (PMID: 18523927). Functional studies show that this variant may disrupt protein function (PMID: 18523927). Computational prediction algorithms indicate this variant is likely to affect gene or protein function. Given the available evidence, this variant is classified as Likely Pathogenic.

Women's Health and Genetics/Laboratory Corporation of America, LabCorp
Classification: Likely pathogenic for Hypophosphatasia. Last evaluated: 2025-01-16. Review status: criteria provided, single submitter. Criteria: LabCorp Variant Classification Summary - May 2015. Collection method: clinical testing. Allele origin: germline.
Comment: Variant summary: ALPL c.653T>C (p.Ile218Thr) results in a non-conservative amino acid change in the encoded protein sequence. Five of five in-silico tools predict a damaging effect of the variant on protein function. The variant was absent in 251476 control chromosomes (gnomAD). c.653T>C has been reported in the literature in a compound heterozygous patient affected with the perinatal Hypophosphatasia (Brun-Heath_2007, Utsch_2008), who carried a second pathogenic variant. These publications also reported experimental evidence evaluating an impact on protein function, and demonstrated that the variant protein had almost complete absence of activity (3.7% of WT), and did not reach the cell membrane, suggesting that it is unable to fold properly and is consequently degraded (Heath_2007, Utsch_2008). In addition, a different missense affecting the same amino acid (p.I218S), is reported in an affected homozygous patient (PMID: 32983484), suggesting a clinical importance of the affected residue. The following publications have been ascertained in the context of this evaluation (PMID: 17719863, 18523927). No submitters have cited clinical-significance assessments for this variant to ClinVar. Based on the evidence outlined above, the variant was classified as likely pathogenic.

Labcorp Genetics (formerly Invitae), Labcorp
Classification: Pathogenic. Last evaluated: 2024-10-24. Review status: criteria provided, single submitter. Criteria: Invitae Variant Classification Sherloc (09022015). Collection method: clinical testing. Allele origin: germline.
Comment: This sequence change replaces isoleucine, which is neutral and non-polar, with threonine, which is neutral and polar, at codon 218 of the ALPL protein (p.Ile218Thr). This variant is not present in population databases (gnomAD no frequency). This missense change has been observed in individual(s) with autosomal recessive hypophosphatasia (PMID: 17719863, 18523927). In at least one individual the data is consistent with being in trans (on the opposite chromosome) from a pathogenic variant. Invitae Evidence Modeling of protein sequence and biophysical properties (such as structural, functional, and spatial information, amino acid conservation, physicochemical variation, residue mobility, and thermodynamic stability) indicates that this missense variant is expected to disrupt ALPL protein function with a positive predictive value of 95%. Experimental studies have shown that this missense change affects ALPL function (PMID: 17719863). For these reasons, this variant has been classified as Pathogenic.

Literature cited by the submitters: PubMed 17719863 (cited by 3 submitters); PubMed 18523927 (cited by 4 submitters).

NM_000478.6(ALPL):c.653T>C (p.Ile218Thr)

Gene: ALPL (alkaline phosphatase, biomineralization associated; plus strand). Cytogenetic location: 1p36.12.
Variant type: single nucleotide variant.
Coding change: c.653T>C on transcript NM_000478.6 (MANE Select); coding-DNA position 653, T replaced by C.
Protein change: p.Ile218Thr; replaces isoleucine 218 with threonine.
Molecular consequence: missense variant.
Genome position (GRCh38, 1-based): chr1:21,568,108, T>C. VCF-style: chr1-21568108-T-C. GRCh37 (hg19) VCF-style: chr1-21894601-T-C.
Other names: c.488T>C, p.Ile163Thr (NM_001127501.4); c.422T>C, p.Ile141Thr (NM_001177520.3); c.653T>C, p.Ile218Thr (NM_001369803.2, NM_001369804.2, NM_001369805.2); c.653T>C (NM_000478.5); short protein forms I141T, I163T, I218T.
Identifiers: ClinVar variation 3720172 (VCV003720172.6).
Genomic context (GRCh38, chr1:21,568,108, plus strand): 5'-TGGGGCTTCTGGGCATCTTGGAACCCTGCAGAAGTGATGGCTCCTGTCTCTTTTAGGTGA[T>C]CATGGGGGGTGGCCGGAAATACATGTACCCCAAGAATAAAACTGATGTGGAGTATGAGAG-3'
Protein context (NP_000469.3, residues 208-228): LMHNIRDIDV[Ile218Thr]MGGGRKYMYP